The following is an entry in ClinVar:

NM_175737.4(KLB):c.1327G>C (p.Val443Leu)

Gene: KLB (klotho beta; plus strand). Cytogenetic location: 4p14.
Variant type: single nucleotide variant.
Coding change: c.1327G>C on transcript NM_175737.4 (MANE Select); coding-DNA position 1327, G replaced by C.
Protein change: p.Val443Leu; replaces valine 443 with leucine.
Molecular consequence: missense variant.
Genome position (GRCh38, 1-based): chr4:39,434,711, G>C. VCF-style: chr4-39434711-G-C. GRCh37 (hg19) VCF-style: chr4-39436331-G-C.
Other names: short protein forms V443L.
Identifiers: ClinVar variation 3534766 (VCV003534766.2).

ClinVar aggregate classification (germline): Uncertain significance. Review status: criteria provided, multiple submitters, no conflicts (2 of 4 stars). 2 submissions from 2 submitters: Uncertain significance (2). Last evaluated 2025-12-26.

gnomAD v4.1: 2 of 1,610,658 alleles (0.00012%); highest among the groups gnomAD compares: Admixed American, 0.0034%; no homozygotes.

Submissions (2):

Labcorp Genetics (formerly Invitae), Labcorp
Classification: Uncertain significance. Last evaluated: 2025-12-26. Review status: criteria provided, single submitter. Criteria: Invitae Variant Classification Sherloc (09022015). Collection method: clinical testing. Allele origin: germline.
Comment: This sequence change replaces valine, which is neutral and non-polar, with leucine, which is neutral and non-polar, at codon 443 of the KLB protein (p.Val443Leu). This variant is not present in population databases (gnomAD no frequency). This variant has not been reported in the literature in individuals affected with KLB-related conditions. ClinVar contains an entry for this variant (Variation ID: 3534766). Invitae Evidence Modeling of protein sequence and biophysical properties (such as structural, functional, and spatial information, amino acid conservation, physicochemical variation, residue mobility, and thermodynamic stability) indicates that this missense variant is not expected to disrupt KLB protein function with a negative predictive value of 80%. In summary, the available evidence is currently insufficient to determine the role of this variant in disease. Therefore, it has been classified as a Variant of Uncertain Significance.

Ambry Genetics
Classification: Uncertain significance. Last evaluated: 2024-12-02. Review status: criteria provided, single submitter. Criteria: Ambry Variant Classification Scheme 2023. Collection method: clinical testing. Allele origin: germline.